The following is an entry in ClinVar:

ClinVar aggregate classification (germline): Uncertain significance (1 of 4 stars; one submission).

Allele frequency attached by ClinVar (database versions not stated): ExAC 0.00002.

Submission:

Labcorp Genetics (formerly Invitae), Labcorp
Classification: Uncertain significance. Last evaluated: 2022-07-31. Review status: criteria provided, single submitter. Criteria: Invitae Variant Classification Sherloc (09022015). Collection method: clinical testing. Allele origin: germline.
Comment: ClinVar contains an entry for this variant (Variation ID: 1397084). This sequence change replaces histidine, which is basic and polar, with aspartic acid, which is acidic and polar, at codon 520 of the SAMD11 protein (p.His520Asp). This variant is not present in population databases (gnomAD no frequency). This variant has not been reported in the literature in individuals affected with SAMD11-related conditions. Algorithms developed to predict the effect of missense changes on protein structure and function are either unavailable or do not agree on the potential impact of this missense change (SIFT: "Deleterious"; PolyPhen-2: "Possibly Damaging"; Align-GVGD: "Class C15"). In summary, the available evidence is currently insufficient to determine the role of this variant in disease. Therefore, it has been classified as a Variant of Uncertain Significance.

NM_001385641.1(SAMD11):c.2047C>G (p.His683Asp)

Gene: SAMD11 (sterile alpha motif domain containing 11; plus strand). Cytogenetic location: 1p36.33.
Variant type: single nucleotide variant.
Coding change: c.2047C>G on transcript NM_001385641.1 (MANE Select); coding-DNA position 2047, C replaced by G.
Protein change: p.His683Asp; replaces histidine 683 with aspartic acid.
Molecular consequence: missense variant.
Genome position (GRCh38, 1-based): chr1:943,052, C>G. VCF-style: chr1-943052-C-G. GRCh37 (hg19) VCF-style: chr1-878432-C-G.
Other names: c.2050C>G, p.His684Asp (NM_001385640.1); c.1558C>G, p.His520Asp (NM_152486.4); short protein forms H683D, H684D, H520D.
Identifiers: ClinVar variation 1397084 (VCV001397084.8), dbSNP rs768206279, ClinGen allele CA503070.